The following is an entry in ClinVar:

NM_001354930.2(RIPK1):c.1858G>A (p.Glu620Lys)

Gene: RIPK1 (receptor interacting serine/threonine kinase 1; plus strand). Cytogenetic location: 6p25.2.
Variant type: single nucleotide variant.
Coding change: c.1858G>A on transcript NM_001354930.2 (MANE Select); coding-DNA position 1858, G replaced by A.
Protein change: p.Glu620Lys; replaces glutamic acid 620 with lysine.
Molecular consequence: missense variant.
Genome position (GRCh38, 1-based): chr6:3,113,181, G>A. VCF-style: chr6-3113181-G-A. GRCh37 (hg19) VCF-style: chr6-3113415-G-A.
Other names: c.1369G>A, p.Glu457Lys (NM_001317061.3, NM_001354932.2, NM_001354933.2 and 1 more transcripts); c.1720G>A, p.Glu574Lys (NM_001354931.2); c.1858G>A, p.Glu620Lys (NM_003804.6); short protein forms E457K, E574K, E620K.
Identifiers: ClinVar variation 2718605 (VCV002718605.3), dbSNP rs2533401634, ClinGen allele CA362578013.
Genomic context (GRCh38, chr6:3,113,181, plus strand): 5'-AACTGTGCCCGTAAACTGGGCTTCACACAGTCTCAGATTGATGAAATTGACCATGACTAT[G>A]AGCGAGATGGACTGAAAGAAAAGGTTTACCAGATGCTCCAAAAGTGGGTGATGAGGGAAG-3'
Protein context (NP_001341859.1, residues 610-630): SQIDEIDHDY[Glu620Lys]RDGLKEKVYQ

ClinVar aggregate classification (germline): Uncertain significance (1 of 4 stars; one submission).

Submission:

Labcorp Genetics (formerly Invitae), Labcorp
Classification: Uncertain significance. Last evaluated: 2024-04-05. Review status: criteria provided, single submitter. Criteria: Invitae Variant Classification Sherloc (09022015). Collection method: clinical testing. Allele origin: germline.
Comment: This sequence change replaces glutamic acid, which is acidic and polar, with lysine, which is basic and polar, at codon 620 of the RIPK1 protein (p.Glu620Lys). This variant is not present in population databases (gnomAD no frequency). This variant has not been reported in the literature in individuals affected with RIPK1-related conditions. An algorithm developed to predict the effect of missense changes on protein structure and function (PolyPhen-2) suggests that this variant is likely to be disruptive. In summary, the available evidence is currently insufficient to determine the role of this variant in disease. Therefore, it has been classified as a Variant of Uncertain Significance.